The following is an entry in ClinVar:

ClinVar aggregate classification (germline): Uncertain significance (1 of 4 stars; one submission).

Allele frequency attached by ClinVar (database versions not stated): ExAC 0.00001.
gnomAD v4.1: 1 of 1,612,934 alleles (0.000062%); highest among the groups gnomAD compares: Non-Finnish European, 0.000085%; no homozygotes.

Submission:

Labcorp Genetics (formerly Invitae), Labcorp
Classification: Uncertain significance. Last evaluated: 2025-02-17. Review status: criteria provided, single submitter. Criteria: Invitae Variant Classification Sherloc (09022015). Collection method: clinical testing. Allele origin: germline.
Comment: This sequence change replaces serine, which is neutral and polar, with phenylalanine, which is neutral and non-polar, at codon 1972 of the NIN protein (p.Ser1972Phe). This variant is present in population databases (rs775483497, gnomAD 0.0009%). This variant has not been reported in the literature in individuals affected with NIN-related conditions. ClinVar contains an entry for this variant (Variation ID: 2717646). An algorithm developed to predict the effect of missense changes on protein structure and function (PolyPhen-2) suggests that this variant is likely to be disruptive. In summary, the available evidence is currently insufficient to determine the role of this variant in disease. Therefore, it has been classified as a Variant of Uncertain Significance.

NM_020921.4(NIN):c.5915C>T (p.Ser1972Phe)

Gene: NIN (ninein; minus strand). Cytogenetic location: 14q22.1.
Variant type: single nucleotide variant.
Coding change: c.5915C>T on transcript NM_020921.4 (MANE Select); coding-DNA position 5915, C replaced by T.
Protein change: p.Ser1972Phe; replaces serine 1972 with phenylalanine.
Molecular consequence: missense variant.
Genome position (GRCh38, 1-based): chr14:50,729,686, G>A on the plus strand (C>T on the coding strand, the complement: NIN is on the minus strand). VCF-style: chr14-50729686-G-A. GRCh37 (hg19) VCF-style: chr14-51196404-G-A.
Other names: c.3776C>T, p.Ser1259Phe (NM_016350.5); c.5915C>T, p.Ser1972Phe (NM_182944.3, NM_182946.2); short protein forms S1259F, S1972F.
Identifiers: ClinVar variation 2717646 (VCV002717646.3), dbSNP rs775483497, ClinGen allele CA7181080.